The following is an entry in ClinVar:

NM_000174.5(GP9):c.488C>A (p.Ala163Asp)

Gene: GP9 (glycoprotein IX platelet; plus strand). Cytogenetic location: 3q21.3.
Variant type: single nucleotide variant.
Coding change: c.488C>A on transcript NM_000174.5 (MANE Select); coding-DNA position 488, C replaced by A.
Protein change: p.Ala163Asp; replaces alanine 163 with aspartic acid.
Molecular consequence: missense variant.
Genome position (GRCh38, 1-based): chr3:129,062,227, C>A. VCF-style: chr3-129062227-C-A. GRCh37 (hg19) VCF-style: chr3-128781070-C-A.
Other names: NM_000174.5(GP9):c.488C>A; p.Ala163Asp; short protein forms A163D.
Identifiers: ClinVar variation 639283 (VCV000639283.11), dbSNP rs181175542, ClinGen allele CA2602729.

ClinVar aggregate classification (germline): Likely benign. Review status: reviewed by expert panel (3 of 4 stars). 4 submissions from 4 submitters: Likely benign (1). 3 of the submissions do not count toward it. Last evaluated 2025-02-11.

Conditions:
Bernard Soulier syndrome (BSS). Also called: BLEEDING DISORDER, PLATELET-TYPE, 1; Platelet Glycoprotein 1b, Deficiency of; PLATELET GLYCOPROTEIN Ib DEFICIENCY; GLYCOPROTEIN Ib, PLATELET, DEFICIENCY OF; VON WILLEBRAND FACTOR RECEPTOR DEFICIENCY; Giant platelet syndrome. Identifiers: Orphanet 274, MedGen C0005129, MeSH D001606, MONDO:0009276, OMIM 231200.

Allele frequency attached by ClinVar (database versions not stated): gnomAD exomes 0.00002 and 0.00005; ExAC 0.00011; ESP Exome Variant Server 0.00032; gnomAD 0.00034 and 0.00037; TOPMed 0.00037; 1000 Genomes Project 30x 0.00062; 1000 Genomes Project 0.00080.
gnomAD v4.1: 92 of 1,562,412 alleles (0.0059%); highest among the groups gnomAD compares: African/African-American, 0.1%; no homozygotes.

Submissions (4):

ClinGen Platelet Disorders Variant Curation Expert Panel, ClinGen
Classification: Likely benign for Bernard Soulier syndrome. Last evaluated: 2025-02-11. Review status: reviewed by expert panel. Criteria: ClinGen Platelet ACMG Specifications GP9 V1.0.0. Collection method: curation. Allele origin: germline. Inheritance: Autosomal recessive inheritance.
Comment: The c.488C>A variant in GP9 is a missense variant predicted to cause substitution of alanine by asparagine at amino acid 163. At least one homozygous patient, with excessive mucocutaneous bleeding (Case in PMID:24934643), had aggregation absent for ristocetin and present for all other agonists, which is highly specific for Bernard-Soulier syndrome (PP4). The computational predictor REVEL gives a score of 0.564, which is below the ClinGen PD VCEP PP3 threshold of >0.644 and does not predict a damaging effect on GP9 function. And the computational splicing predictor SpliceAI indicated that the variant has no predicted impact on splicing. The Grpmax Filtering allele frequency in gnomAD v4.1 is 0.0008153 (based on 74/74086 alleles) in African/African American population, which is higher than the ClinGen PD VCEP threshold (>0.0007 for GP9), and therefore meets this criterion (BS1). In summary, this variant meets the criteria to be classified as Likely Benign for autosomal recessive Bernard-Soulier syndrome based on the ACMG/AMP criteria applied, as specified by the ClinGen PD VCEP: PP4, BS1.

Labcorp Genetics (formerly Invitae), Labcorp
Classification: Uncertain significance. Last evaluated: 2024-11-05. Review status: criteria provided, single submitter. Criteria: Invitae Variant Classification Sherloc (09022015). Collection method: clinical testing. Allele origin: germline. Not counted in ClinVar's aggregate classification.
Comment: This sequence change replaces alanine, which is neutral and non-polar, with aspartic acid, which is acidic and polar, at codon 163 of the GP9 protein (p.Ala163Asp). The frequency data for this variant in the population databases is considered unreliable, as metrics indicate poor data quality at this position in the gnomAD database. This missense change has been observed in individual(s) with clinical features of Bernard-Soulier syndrome (PMID: 26226975). ClinVar contains an entry for this variant (Variation ID: 639283). An algorithm developed to predict the effect of missense changes on protein structure and function (PolyPhen-2) suggests that this variant is likely to be tolerated. In summary, the available evidence is currently insufficient to determine the role of this variant in disease. Therefore, it has been classified as a Variant of Uncertain Significance.

Fulgent Genetics
Classification: Uncertain significance for Bernard Soulier syndrome. Last evaluated: 2024-04-12. Review status: criteria provided, single submitter. Criteria: ACMG Guidelines, 2015. Collection method: clinical testing. Allele origin: germline. Not counted in ClinVar's aggregate classification.

Blueprint Genetics
Classification: Uncertain significance. Last evaluated: 2022-08-25. Review status: criteria provided, single submitter. Criteria: ACMG Guidelines, 2015. Collection method: clinical testing. Allele origin: germline. Not counted in ClinVar's aggregate classification.

Literature cited by the submitters: PubMed 26226975 (cited by Labcorp Genetics (formerly Invitae), Labcorp).